The following is an entry in ClinVar:

ClinVar aggregate classification (germline): Likely benign (1 of 4 stars; one submission).

gnomAD v4.1: 2 of 1,613,332 alleles (0.00012%); highest among the groups gnomAD compares: Non-Finnish European, 0.00017%; no homozygotes.

Submission:

CeGaT Center for Human Genetics Tuebingen
Classification: Likely benign. Last evaluated: 2025-12-01. Review status: criteria provided, single submitter. Criteria: CeGaT Center For Human Genetics Tuebingen Variant Classification Criteria Version 2. Collection method: clinical testing. Allele origin: germline. Affected: yes. Observed: 1 variant allele.
Comment: AP2M1: BP4, BP7

NM_004068.4(AP2M1):c.72C>T (p.Ile24=)

Genes: AP2M1 (adaptor related protein complex 2 subunit mu 1; plus strand), LOC123453202 (Sharpr-MPRA regulatory region 464; plus strand). Cytogenetic location: 3q27.1.
Variant type: single nucleotide variant.
Coding change: c.72C>T on transcript NM_004068.4 (MANE Select); coding-DNA position 72, C replaced by T.
Protein change: p.Ile24=; no amino-acid change (isoleucine 24 retained).
Molecular consequence: synonymous variant.
Genome position (GRCh38, 1-based): chr3:184,177,065, C>T. VCF-style: chr3-184177065-C-T. GRCh37 (hg19) VCF-style: chr3-183894853-C-T.
Other names: c.72C>T, p.Ile24= (NM_001025205.2, NM_001311198.2).
Identifiers: ClinVar variation 4681498 (VCV004681498.5).